The following is an entry in ClinVar:

ClinVar aggregate classification (germline): Uncertain significance (1 of 4 stars; one submission).

Conditions:
Hypertrophic cardiomyopathy. Also called: HYPERTROPHIC MYOCARDIOPATHY. Identifiers: Orphanet 217569, MedGen C0007194, MeSH D002312, MONDO:0005045, HP:0001639.

Submission:

Labcorp Genetics (formerly Invitae), Labcorp
Classification: Uncertain significance for Hypertrophic cardiomyopathy. Last evaluated: 2025-02-06. Review status: criteria provided, single submitter. Criteria: Invitae Variant Classification Sherloc (09022015). Collection method: clinical testing. Allele origin: germline.
Comment: This sequence change replaces glutamine, which is neutral and polar, with arginine, which is basic and polar, at codon 1585 of the MYH7 protein (p.Gln1585Arg). This variant is not present in population databases (gnomAD no frequency). This variant has not been reported in the literature in individuals affected with MYH7-related conditions. Invitae Evidence Modeling of protein sequence and biophysical properties (such as structural, functional, and spatial information, amino acid conservation, physicochemical variation, residue mobility, and thermodynamic stability) has been performed for this missense variant. However, the output from this modeling did not meet the statistical confidence thresholds required to predict the impact of this variant on MYH7 protein function. In summary, the available evidence is currently insufficient to determine the role of this variant in disease. Therefore, it has been classified as a Variant of Uncertain Significance.

NM_000257.4(MYH7):c.4754A>G (p.Gln1585Arg)

Genes: MHRT (myosin heavy chain associated RNA transcript; plus strand), MYH7 (myosin heavy chain 7; minus strand), LOC126861897 (BRD4-independent group 4 enhancer GRCh37_chr14:23884455-23885654; plus strand). Cytogenetic location: 14q11.2.
Variant type: single nucleotide variant.
Coding change: c.4754A>G on transcript NM_000257.4 (MANE Select); coding-DNA position 4754, A replaced by G.
Protein change: p.Gln1585Arg; replaces glutamine 1585 with arginine.
Molecular consequence: missense variant. On other transcripts: non-coding transcript variant (1).
Genome position (GRCh38, 1-based): chr14:23,416,203, T>C on the plus strand (A>G on the coding strand, the complement: MYH7 is on the minus strand). VCF-style: chr14-23416203-T-C. GRCh37 (hg19) VCF-style: chr14-23885412-T-C.
Other names: c.4754A>G, p.Gln1585Arg (NM_001407004.1); short protein forms Q1585R.
Identifiers: ClinVar variation 3636002 (VCV003636002.2).
Genomic context (GRCh38, chr14:23,416,203, plus strand): 5'-GTCTCTGCGTCCAGGGAGGTCTGCAGCGAGTCCACCACCCGCAGGTGGTTGCGCTTGGCC[T>C]GTTCCATCTCCTCGTCCTTCTCTGCCAGCTTCCGCTCGATCTCTGCCTTGATCTGGTTGA-3'
Protein context (NP_000248.2, residues 1575-1595): KLAEKDEEME[Gln1585Arg]AKRNHLRVVD